The following is an entry in ClinVar:

ClinVar aggregate classification (germline): Uncertain significance (1 of 4 stars; one submission).

Conditions:
Familial thoracic aortic aneurysm and aortic dissection (TAAD). Also called: Thoracic aortic aneurysms and dissections. Identifiers: Orphanet 91387, MedGen C4707243, MONDO:0019625.

Submission:

Ambry Genetics
Classification: Uncertain significance for Familial thoracic aortic aneurysm and aortic dissection. Last evaluated: 2025-04-13. Review status: criteria provided, single submitter. Criteria: Ambry Variant Classification Scheme 2023. Collection method: clinical testing. Allele origin: germline.
Comment: The p.K2R variant (also known as c.5A>G), located in coding exon 1 of the TGFB3 gene, results from an A to G substitution at nucleotide position 5. The lysine at codon 2 is replaced by arginine, an amino acid with highly similar properties. This amino acid position is conserved. In addition, this alteration is predicted to be tolerated by in silico analysis. Based on the available evidence, the clinical significance of this variant remains unclear.

NM_003239.5(TGFB3):c.5A>G (p.Lys2Arg)

Gene: TGFB3 (transforming growth factor beta 3; minus strand). Cytogenetic location: 14q24.3.
Variant type: single nucleotide variant.
Coding change: c.5A>G on transcript NM_003239.5 (MANE Select); coding-DNA position 5, A replaced by G.
Protein change: p.Lys2Arg; replaces lysine 2 with arginine.
Molecular consequence: missense variant.
Genome position (GRCh38, 1-based): chr14:75,980,889, T>C on the plus strand (A>G on the coding strand, the complement: TGFB3 is on the minus strand). VCF-style: chr14-75980889-T-C. GRCh37 (hg19) VCF-style: chr14-76447232-T-C.
Other names: c.5A>G, p.Lys2Arg (NM_001329938.2, NM_001329939.2); short protein forms K2R.
Identifiers: ClinVar variation 3968067 (VCV003968067.1).